The following is an entry in ClinVar:

NM_006017.3(PROM1):c.220+1G>C

Gene: PROM1 (prominin 1; minus strand). Cytogenetic location: 4p15.32.
Variant type: single nucleotide variant.
Coding change: c.220+1G>C on transcript NM_006017.3 (MANE Select); the canonical splice donor site of the intron after coding-DNA position 220, G replaced by C.
Molecular consequence: splice donor variant.
Genome position (GRCh38, 1-based): chr4:16,075,686, C>G on the plus strand (G>C on the coding strand, the complement: PROM1 is on the minus strand). VCF-style: chr4-16075686-C-G. GRCh37 (hg19) VCF-style: chr4-16077309-C-G.
Other names: c.220+1G>C (NM_001145848.2, NM_001145852.2, NM_001145847.2 and 6 more transcripts).
Identifiers: ClinVar variation 1348552 (VCV001348552.8), dbSNP rs779454059, ClinGen allele CA2867164.
Genomic context (GRCh38, chr4:16,075,686, plus strand): 5'-AAAACAATATTGTGGGTGCGTTTGGAGATAAATCCTATCTTTCCCTGCCATCAGCACTTA[C>G]CTTCTGGGAAATCACGCGGCTGTACCACATAGAGAAAGATATGCACTAGTTCAAAGAGAA-3'

ClinVar aggregate classification (germline): Pathogenic (1 of 4 stars; one submission).

Allele frequency attached by ClinVar (database versions not stated): gnomAD 0.00001; TOPMed below 0.00001; gnomAD exomes below 0.00001.
gnomAD v4.1: 2 of 1,610,268 alleles (0.00012%); highest among the groups gnomAD compares: Admixed American, 0.0034%; no homozygotes.

Submission:

Labcorp Genetics (formerly Invitae), Labcorp
Classification: Pathogenic. Last evaluated: 2025-03-31. Review status: criteria provided, single submitter. Criteria: Invitae Variant Classification Sherloc (09022015). Collection method: clinical testing. Allele origin: germline.
Comment: This sequence change affects a donor splice site in intron 1 of the PROM1 gene. It is expected to disrupt RNA splicing. Variants that disrupt the donor or acceptor splice site typically lead to a loss of protein function (PMID: 16199547), and loss-of-function variants in PROM1 are known to be pathogenic (PMID: 17605048, 19718270, 24154662, 25474345). This variant is present in population databases (rs779454059, gnomAD 0.003%). Disruption of this splice site has been observed in individual(s) with Stargardt disease (internal data). ClinVar contains an entry for this variant (Variation ID: 1348552). Algorithms developed to predict the effect of sequence changes on RNA splicing suggest that this variant may disrupt the consensus splice site. For these reasons, this variant has been classified as Pathogenic.

Literature cited by the submitters: PubMed 16199547; PubMed 17605048; PubMed 19718270; PubMed 24154662; PubMed 25474345.